The following is an entry in ClinVar:

ClinVar aggregate classification (germline): Uncertain significance. Review status: criteria provided, multiple submitters, no conflicts (2 of 4 stars). 5 submissions from 5 submitters: Uncertain significance (5). Last evaluated 2025-02-19.

Conditions:
Familial dysfibrinogenemia. Also called: Dysfibrinogenemia, congenital. Identifiers: Orphanet 335, Orphanet 98881, MedGen C0272350, MONDO:0014452, OMIM 616004.
Familial visceral amyloidosis, Ostertag type (AMYLD2). Also called: AMYLOIDOSIS VIII; Hereditary Renal Amyloidosis; Ostertag type amyloidosis; Familial visceral amyloidosis; Amyloidosis, hepatic and systemic; AMYLOIDOSIS, HEREDITARY SYSTEMIC 2. Identifiers: Orphanet 85450, MedGen C0268389, MONDO:0007099, OMIM 105200.
Congenital afibrinogenemia. Identifiers: Orphanet 335, Orphanet 98880, MedGen C2584774, MONDO:0008737, OMIM 202400.
FGA-related disorder. Also called: FGA-related disorders; FGA-related condition.
Inborn genetic diseases. Identifiers: MedGen C0950123, MeSH D030342.

Allele frequency attached by ClinVar (database versions not stated): ExAC 0.00004; gnomAD 0.00005; TOPMed 0.00005; gnomAD exomes 0.00013.
gnomAD v4.1: 193 of 1,613,628 alleles (0.012%); highest among the groups gnomAD compares: Non-Finnish European, 0.016%; no homozygotes.

Submissions (5):

PreventionGenetics, part of Exact Sciences
Classification: Uncertain significance for FGA-related condition. Last evaluated: 2025-02-19. Review status: criteria provided, single submitter. Criteria: ACMG Guidelines, 2015. Collection method: clinical testing. Allele origin: germline.
Comment: The FGA c.908G>A variant is predicted to result in the amino acid substitution p.Gly303Glu. To our knowledge, this variant has not been reported in the literature. This variant is reported in 0.0062% of alleles in individuals of European (Non-Finnish) descent in gnomAD. At this time, the clinical significance of this variant is uncertain due to the absence of conclusive functional and genetic evidence.

Ambry Genetics
Classification: Uncertain significance for Inborn genetic diseases. Last evaluated: 2024-11-13. Review status: criteria provided, single submitter. Criteria: Ambry Variant Classification Scheme 2023. Collection method: clinical testing. Allele origin: germline.

Fulgent Genetics
Classification: Uncertain significance for Familial visceral amyloidosis, Ostertag type; Congenital afibrinogenemia; Familial dysfibrinogenemia. Last evaluated: 2024-05-06. Review status: criteria provided, single submitter. Criteria: ACMG Guidelines, 2015. Collection method: clinical testing. Allele origin: germline.

Women's Health and Genetics/Laboratory Corporation of America, LabCorp
Classification: Uncertain significance. Last evaluated: 2023-12-21. Review status: criteria provided, single submitter. Criteria: LabCorp Variant Classification Summary - May 2015. Collection method: clinical testing. Allele origin: germline.
Comment: Variant summary: FGA c.908G>A (p.Gly303Glu) results in a non-conservative amino acid change in the encoded protein sequence. Three of five in-silico tools predict a benign effect of the variant on protein function. The variant allele was found at a frequency of 3.2e-05 in 251288 control chromosomes. The available data on variant occurrences in the general population are insufficient to allow any conclusion about variant significance. To our knowledge, no occurrence of c.908G>A in individuals affected with Dysfibrinogenemia, Congenital and no experimental evidence demonstrating its impact on protein function have been reported. No submitters have cited clinical-significance assessments for this variant to ClinVar after 2014. Based on the evidence outlined above, the variant was classified as uncertain significance.

Blueprint Genetics
Classification: Uncertain significance. Last evaluated: 2022-08-17. Review status: criteria provided, single submitter. Criteria: ACMG Guidelines, 2015. Collection method: clinical testing. Allele origin: germline.

NM_021871.4(FGA):c.908G>A (p.Gly303Glu)

Gene: FGA (fibrinogen alpha chain; minus strand). Cytogenetic location: 4q31.3.
Variant type: single nucleotide variant.
Coding change: c.908G>A on transcript NM_021871.4 (MANE Select); coding-DNA position 908, G replaced by A.
Protein change: p.Gly303Glu; replaces glycine 303 with glutamic acid.
Molecular consequence: missense variant.
Genome position (GRCh38, 1-based): chr4:154,586,521, C>T on the plus strand (G>A on the coding strand, the complement: FGA is on the minus strand). VCF-style: chr4-154586521-C-T. GRCh37 (hg19) VCF-style: chr4-155507673-C-T.
Other names: c.908G>A (NM_000508.4); c.908G>A, p.Gly303Glu (NM_000508.5); short protein forms G303E.
Identifiers: ClinVar variation 2691373 (VCV002691373.6), dbSNP rs752326694, ClinGen allele CA3115198.